The following is an entry in ClinVar:

ClinVar aggregate classification (germline): Uncertain significance (1 of 4 stars; one submission).

Conditions:
Hereditary cancer-predisposing syndrome. Also called: Hereditary Cancer Syndrome; Hereditary neoplastic syndrome; Neoplastic Syndromes, Hereditary; Tumor predisposition. Identifiers: Orphanet 140162, MedGen C0027672, MeSH D009386, MONDO:0015356.

Submission:

Ambry Genetics
Classification: Uncertain significance for Hereditary cancer-predisposing syndrome. Last evaluated: 2025-05-15. Review status: criteria provided, single submitter. Criteria: Ambry Variant Classification Scheme 2023. Collection method: clinical testing. Allele origin: germline.
Comment: The p.K254R variant (also known as c.761A>G), located in coding exon 5 of the NTHL1 gene, results from an A to G substitution at nucleotide position 761. The lysine at codon 254 is replaced by arginine, an amino acid with highly similar properties. This amino acid position is conserved. In addition, this alteration is predicted to be tolerated by in silico analysis. Based on the available evidence, the clinical significance of this variant remains unclear.

NM_002528.7(NTHL1):c.737A>G (p.Lys246Arg)

Gene: NTHL1 (nth like DNA glycosylase 1; minus strand). Cytogenetic location: 16p13.3.
Variant type: single nucleotide variant.
Coding change: c.737A>G on transcript NM_002528.7 (MANE Select); coding-DNA position 737, A replaced by G.
Protein change: p.Lys246Arg; replaces lysine 246 with arginine.
Molecular consequence: missense variant.
Genome position (GRCh38, 1-based): chr16:2,040,187, T>C on the plus strand (A>G on the coding strand, the complement: NTHL1 is on the minus strand). VCF-style: chr16-2040187-T-C. GRCh37 (hg19) VCF-style: chr16-2090188-T-C.
Other names: c.566A>G, p.Lys189Arg (NM_001318193.2); c.407A>G, p.Lys136Arg (NM_001318194.2); short protein forms K246R, K189R, K136R.
Identifiers: ClinVar variation 3922254 (VCV003922254.1).